The following is an entry in ClinVar:

ClinVar aggregate classification (germline): Benign/Likely benign. Review status: criteria provided, multiple submitters, no conflicts (2 of 4 stars). 8 submissions from 8 submitters: Benign (2); Likely benign (6). Last evaluated 2026-01-22.

Conditions:
Hereditary cancer-predisposing syndrome. Also called: Neoplastic Syndromes, Hereditary; Hereditary Cancer Syndrome; Tumor predisposition; Hereditary neoplastic syndrome. Identifiers: Orphanet 140162, MedGen C0027672, MeSH D009386, MONDO:0015356.
Tuberous sclerosis syndrome (TSC). Also called: Tuberous sclerosis; Tuberous Sclerosis Complex. Identifiers: Orphanet 805, MedGen C0041341, MONDO:0001734.
Tuberous sclerosis 2 (TSC2). Identifiers: Orphanet 805, MedGen C1860707, MONDO:0013199, OMIM 613254.

Allele frequency attached by ClinVar (database versions not stated): gnomAD 0.00004 and 0.00005; gnomAD exomes 0.00005 and 0.00007; ExAC 0.00008; TOPMed 0.00008.
gnomAD v4.1: 79 of 1,612,650 alleles (0.0049%); highest among the groups gnomAD compares: South Asian, 0.0088%; no homozygotes.

Submissions (8):

Labcorp Genetics (formerly Invitae), Labcorp
Classification: Benign for Tuberous sclerosis 2. Last evaluated: 2026-01-22. Review status: criteria provided, single submitter. Criteria: Invitae Variant Classification Sherloc (09022015). Collection method: clinical testing. Allele origin: germline.

Quest Diagnostics Nichols Institute San Juan Capistrano
Classification: Likely benign. Last evaluated: 2025-08-25. Review status: criteria provided, single submitter. Criteria: Quest Diagnostics criteria. Collection method: clinical testing. Allele origin: unknown.

Myriad Genetics, Inc.
Classification: Likely benign for Tuberous sclerosis 2. Last evaluated: 2025-05-28. Review status: criteria provided, single submitter. Criteria: Myriad Autosomal Dominant, Autosomal Recessive and X-Linked Classification Criteria (2023). Collection method: clinical testing. Allele origin: unknown.
Comment: This variant is considered likely benign. This variant has been observed at a population frequency that is significantly greater than expected given the associated disease prevalence and penetrance.

Blueprint Genetics
Classification: Likely benign. Last evaluated: 2024-11-13. Review status: criteria provided, single submitter. Criteria: ACMG Guidelines, 2015. Collection method: clinical testing. Allele origin: germline.

Color Diagnostics, LLC DBA Color Health
Classification: Likely benign for Tuberous sclerosis syndrome. Last evaluated: 2022-09-30. Review status: criteria provided, single submitter. Criteria: ACMG Guidelines, 2015. Collection method: clinical testing. Allele origin: germline.

Genome-Nilou Lab
Classification: Benign for Tuberous sclerosis 2. Last evaluated: 2021-11-07. Review status: criteria provided, single submitter. Criteria: ACMG Guidelines, 2015. Collection method: clinical testing. Allele origin: germline. Affected: no.

Ambry Genetics
Classification: Likely benign for Hereditary cancer-predisposing syndrome. Last evaluated: 2018-03-20. Review status: criteria provided, single submitter. Criteria: Ambry Variant Classification Scheme 2023. Collection method: clinical testing. Allele origin: germline.

GeneDx
Classification: Likely benign. Last evaluated: 2018-01-31. Review status: criteria provided, single submitter. Criteria: GeneDx Variant Classification (06012015). Collection method: clinical testing. Allele origin: germline. Affected: yes.
Comment: This variant is considered likely benign or benign based on one or more of the following criteria: it is a conservative change, it occurs at a poorly conserved position in the protein, it is predicted to be benign by multiple in silico algorithms, and/or has population frequency not consistent with disease.

NM_000548.5(TSC2):c.3275C>T (p.Pro1092Leu)

Gene: TSC2 (TSC complex subunit 2; plus strand). Cytogenetic location: 16p13.3.
Variant type: single nucleotide variant.
Coding change: c.3275C>T on transcript NM_000548.5 (MANE Select); coding-DNA position 3275, C replaced by T.
Protein change: p.Pro1092Leu; replaces proline 1092 with leucine.
Molecular consequence: missense variant.
Genome position (GRCh38, 1-based): chr16:2,079,419, C>T. VCF-style: chr16-2079419-C-T. GRCh37 (hg19) VCF-style: chr16-2129420-C-T.
Other names: p.P1092L:CCG>CTG; c.3143C>T, p.Pro1048Leu (NM_001077183.3, NM_001370404.1); c.3275C>T, p.Pro1092Leu (NM_001114382.3); c.3035C>T, p.Pro1012Leu (NM_001318827.2); c.2999C>T, p.Pro1000Leu (NM_001318829.2); c.2543C>T, p.Pro848Leu (NM_001318831.2); c.3176C>T, p.Pro1059Leu (NM_001318832.2); c.3146C>T, p.Pro1049Leu (NM_001363528.2, NM_001370405.1, NM_021055.3); short protein forms P1092L, P1000L, P1048L, P1049L, P1059L, P1012L, P848L.
Identifiers: ClinVar variation 141472 (VCV000141472.24), dbSNP rs587781774, ClinGen allele CA018797.
Genomic context (GRCh38, chr16:2,079,419, plus strand): 5'-GCGTGGGAACCGGGACCCGGTCGTTACTAGGCCTGGACTCGGGGGAGCTGCAGTCCGGCC[C>T]GGAGTCGAGGTGACTGCACCTTCCTTTCCTCCGCGCCTGCCAGCCTCGACACCGGCTGTC-3'
Protein context (NP_000539.2, residues 1082-1102): GLDSGELQSG[Pro1092Leu]ESSSSPGVHV